The following is an entry in ClinVar:

ClinVar aggregate classification (germline): Likely benign. Review status: criteria provided, single submitter (1 of 4 stars). 2 submissions from 2 submitters: Likely benign (1). 1 of the submissions does not count toward it. Last evaluated 2024-03-12.

Conditions:
BBS12-related disorder. Also called: BBS12-related condition.
Bardet-Biedl syndrome (BBS). Identifiers: Orphanet 110, MedGen C0752166, MONDO:0015229.

Allele frequency attached by ClinVar (database versions not stated): gnomAD exomes below 0.00001 and 0.00001; TOPMed 0.00002.
gnomAD v4.1: 12 of 1,614,102 alleles (0.00074%); highest among the groups gnomAD compares: Middle Eastern, 0.016%; no homozygotes.

Submissions (2):

Labcorp Genetics (formerly Invitae), Labcorp
Classification: Likely benign for Bardet-Biedl syndrome. Last evaluated: 2024-03-12. Review status: criteria provided, single submitter. Criteria: Invitae Variant Classification Sherloc (09022015). Collection method: clinical testing. Allele origin: germline.

PreventionGenetics, part of Exact Sciences
Classification: Likely benign for BBS12-related condition. Last evaluated: 2024-05-14. Review status: no assertion criteria provided. Collection method: clinical testing. Allele origin: germline. Not counted in ClinVar's aggregate classification.
Comment: This variant is classified as likely benign based on ACMG/AMP sequence variant interpretation guidelines (Richards et al. 2015 PMID: 25741868, with internal and published modifications).

NM_152618.3(BBS12):c.1596G>A (p.Glu532=)

Gene: BBS12 (Bardet-Biedl syndrome 12; plus strand). Cytogenetic location: 4q27.
Variant type: single nucleotide variant.
Coding change: c.1596G>A on transcript NM_152618.3 (MANE Select); coding-DNA position 1596, G replaced by A.
Protein change: p.Glu532=; no amino-acid change (glutamic acid 532 retained).
Molecular consequence: synonymous variant.
Genome position (GRCh38, 1-based): chr4:122,743,488, G>A. VCF-style: chr4-122743488-G-A. GRCh37 (hg19) VCF-style: chr4-123664643-G-A.
Other names: c.1596G>A, p.Glu532= (NM_001178007.2); c.1596G>A (NM_152618.2).
Identifiers: ClinVar variation 1563045 (VCV001563045.9), dbSNP rs1477880509, ClinGen allele CA441121233.